The following is an entry in ClinVar:

ClinVar aggregate classification (germline): Likely benign (1 of 4 stars; one submission).

Conditions:
TMEM67-related disorder. Also called: TMEM67-related condition; TMEM67-related disorders. Identifiers: MedGen CN239423.

gnomAD v4.1: 82 of 1,533,370 alleles (0.0053%); highest among the groups gnomAD compares: African/African-American, 0.0083%; 1 homozygote.

Submission:

PreventionGenetics, part of Exact Sciences
Classification: Likely benign for TMEM67-related condition. Last evaluated: 2025-11-12. Review status: criteria provided, single submitter. Criteria: ACMG Guidelines, 2015. Collection method: clinical testing. Allele origin: germline.
Comment: This variant is classified as likely benign based on ACMG/AMP sequence variant interpretation guidelines (Richards et al. 2015 PMID: 25741868, with internal and published modifications).

NM_153704.6(TMEM67):c.406+1362G>A

Gene: TMEM67 (transmembrane protein 67; plus strand). Cytogenetic location: 8q22.1.
Variant type: single nucleotide variant.
Coding change: c.406+1362G>A on transcript NM_153704.6 (MANE Select); 1362 bases into the intron after coding-DNA position 406, G replaced by A.
Molecular consequence: intron variant. On other transcripts: synonymous variant (1).
Genome position (GRCh38, 1-based): chr8:93,759,938, G>A. VCF-style: chr8-93759938-G-A. GRCh37 (hg19) VCF-style: chr8-94772166-G-A.
Other names: c.108G>A, p.Pro36= (NM_001142301.1).
Identifiers: ClinVar variation 4980377 (VCV004980377.1).